The following is an entry in ClinVar:

NM_032242.4(PLXNA1):c.2145C>G (p.Ile715Met)

Gene: PLXNA1 (plexin A1; plus strand). Cytogenetic location: 3q21.3.
Variant type: single nucleotide variant.
Coding change: c.2145C>G on transcript NM_032242.4 (MANE Select); coding-DNA position 2145, C replaced by G.
Protein change: p.Ile715Met; replaces isoleucine 715 with methionine.
Molecular consequence: missense variant.
Genome position (GRCh38, 1-based): chr3:127,011,990, C>G. VCF-style: chr3-127011990-C-G. GRCh37 (hg19) VCF-style: chr3-126730833-C-G.
Other names: short protein forms I715M.
Identifiers: ClinVar variation 4979440 (VCV004979440.1).
Genomic context (GRCh38, chr3:127,011,990, plus strand): 5'-GGCTCAGCCAAACTCTTCTTATCCCCAGGACTGCCCACAGATCCTGCCCTCCACGCAGAT[C>G]TACGTGCCAGTGGGAGTGGTAAAACCCATCACCCTGGCCGCACGGAACCTGCCACAGCCA-3'
Protein context (NP_115618.3, residues 705-725): DCPQILPSTQ[Ile715Met]YVPVGVVKPI

ClinVar aggregate classification (germline): Uncertain significance (1 of 4 stars; one submission).

Conditions:
PLXNA1-related disorder. Also called: PLXNA1-related condition.

gnomAD v4.1: 16 of 1,613,656 alleles (0.00099%); highest among the groups gnomAD compares: East Asian, 0.022%; no homozygotes.

Submission:

PreventionGenetics, part of Exact Sciences
Classification: Uncertain significance for PLXNA1-related condition. Last evaluated: 2025-10-16. Review status: criteria provided, single submitter. Criteria: ACMG Guidelines, 2015. Collection method: clinical testing. Allele origin: germline.
Comment: The PLXNA1 c.2145C>G variant is predicted to result in the amino acid substitution p.Ile715Met. To our knowledge, this variant has not been reported in the literature. This variant is reported in 0.010% of alleles in individuals of East Asian descent in gnomAD. At this time, the clinical significance of this variant is uncertain due to the absence of conclusive functional and genetic evidence.